The following is an entry in ClinVar:

NM_000138.5(FBN1):c.7981T>G (p.Tyr2661Asp)

Gene: FBN1 (fibrillin 1; minus strand). Cytogenetic location: 15q21.1.
Variant type: single nucleotide variant.
Coding change: c.7981T>G on transcript NM_000138.5 (MANE Select); coding-DNA position 7981, T replaced by G.
Protein change: p.Tyr2661Asp; replaces tyrosine 2661 with aspartic acid.
Molecular consequence: missense variant.
Genome position (GRCh38, 1-based): chr15:48,415,606, A>C on the plus strand (T>G on the coding strand, the complement: FBN1 is on the minus strand). VCF-style: chr15-48415606-A-C. GRCh37 (hg19) VCF-style: chr15-48707803-A-C.
Other names: c.7981T>G, p.Tyr2661Asp (NM_001406716.1); short protein forms Y2661D.
Identifiers: ClinVar variation 3754038 (VCV003754038.2).

ClinVar aggregate classification (germline): Uncertain significance (1 of 4 stars; one submission).

Conditions:
Marfan syndrome (MFS). Also called: MARFAN SYNDROME, TYPE I; Marfan syndrome type 1; Marfan's syndrome; Marfan syndrome, classic; FBN1-Related Marfan Syndrome. Identifiers: Orphanet 284963, Orphanet 558, MedGen C0024796, MONDO:0007947, OMIM 154700.
Familial thoracic aortic aneurysm and aortic dissection (TAAD). Also called: Thoracic aortic aneurysms and dissections. Identifiers: Orphanet 91387, MedGen C4707243, MONDO:0019625.

Submission:

Labcorp Genetics (formerly Invitae), Labcorp
Classification: Uncertain significance for Marfan syndrome; Familial thoracic aortic aneurysm and aortic dissection. Last evaluated: 2025-02-17. Review status: criteria provided, single submitter. Criteria: Invitae Variant Classification Sherloc (09022015). Collection method: clinical testing. Allele origin: germline.
Comment: This sequence change replaces tyrosine, which is neutral and polar, with aspartic acid, which is acidic and polar, at codon 2661 of the FBN1 protein (p.Tyr2661Asp). This variant is not present in population databases (gnomAD no frequency). This variant has not been reported in the literature in individuals affected with FBN1-related conditions. Invitae Evidence Modeling of protein sequence and biophysical properties (such as structural, functional, and spatial information, amino acid conservation, physicochemical variation, residue mobility, and thermodynamic stability) has been performed for this missense variant. However, the output from this modeling did not meet the statistical confidence thresholds required to predict the impact of this variant on FBN1 protein function. This variant disrupts the p.Tyr2661 amino acid residue in FBN1. Other variant(s) that disrupt this residue have been determined to be pathogenic (PMID: 19293843, 29848614; internal data). This suggests that this residue is clinically significant, and that variants that disrupt this residue are likely to be disease-causing. In summary, the available evidence is currently insufficient to determine the role of this variant in disease. Therefore, it has been classified as a Variant of Uncertain Significance.

Literature cited by the submitters: PubMed 19293843; PubMed 29848614.